The following is an entry in ClinVar:

ClinVar aggregate classification (germline): Conflicting classifications of pathogenicity. Review status: criteria provided, conflicting classifications (1 of 4 stars). 3 submissions from 3 submitters: Uncertain significance (2); Likely benign (1). Last evaluated 2025-05-21.

Conditions:
Episodic kinesigenic dyskinesia (EKD). Also called: Paroxysmal kinesigenic dyskinesia. Identifiers: Orphanet 98809, MedGen C1868682, MONDO:0044202.

Allele frequency attached by ClinVar (database versions not stated): gnomAD exomes 0.00001 and 0.00002; ExAC 0.00004; gnomAD 0.00011; TOPMed 0.00017; 1000 Genomes Project 30x 0.00031; 1000 Genomes Project 0.00040.
gnomAD v4.1: 35 of 1,570,356 alleles (0.0022%); highest among the groups gnomAD compares: African/African-American, 0.048%; no homozygotes.

Submissions (3):

GeneDx
Classification: Likely benign. Last evaluated: 2025-05-21. Review status: criteria provided, single submitter. Criteria: GeneDx Variant Classification Process June 2021. Collection method: clinical testing. Allele origin: germline. Affected: yes.
Comment: See Variant Classification Assertion Criteria.

Labcorp Genetics (formerly Invitae), Labcorp
Classification: Uncertain significance for Episodic kinesigenic dyskinesia. Last evaluated: 2025-03-17. Review status: criteria provided, single submitter. Criteria: Invitae Variant Classification Sherloc (09022015). Collection method: clinical testing. Allele origin: germline.
Comment: This sequence change falls in intron 2 of the PRRT2 gene. It does not directly change the encoded amino acid sequence of the PRRT2 protein. It affects a nucleotide within the consensus splice site. This variant is present in population databases (rs201887920, gnomAD 0.03%). This variant has not been reported in the literature in individuals affected with PRRT2-related conditions. ClinVar contains an entry for this variant (Variation ID: 468621). Variants that disrupt the consensus splice site are a relatively common cause of aberrant splicing (PMID: 17576681, 9536098). Algorithms developed to predict the effect of sequence changes on RNA splicing suggest that this variant is not likely to affect RNA splicing. In summary, the available evidence is currently insufficient to determine the role of this variant in disease. Therefore, it has been classified as a Variant of Uncertain Significance.

Eurofins Ntd Llc (ga)
Classification: Uncertain significance. Last evaluated: 2017-12-13. Review status: criteria provided, single submitter. Criteria: EGL Classification Definitions 2015. Collection method: clinical testing. Allele origin: germline. Observed: 1 variant allele, 1 heterozygote.

Literature cited by the submitters: PubMed 17576681 (cited by Labcorp Genetics (formerly Invitae), Labcorp); PubMed 9536098 (cited by Labcorp Genetics (formerly Invitae), Labcorp).

NM_145239.3(PRRT2):c.879+6C>A

Genes: MVP-DT (MVP divergent transcript; minus strand), PRRT2 (proline rich transmembrane protein 2; plus strand). Cytogenetic location: 16p11.2.
Variant type: single nucleotide variant.
Coding change: c.879+6C>A on transcript NM_145239.3 (MANE Select); 6 bases into the intron after coding-DNA position 879, C replaced by A.
Molecular consequence: intron variant. On other transcripts: missense variant (1).
Genome position (GRCh38, 1-based): chr16:29,813,939, C>A. VCF-style: chr16-29813939-C-A. GRCh37 (hg19) VCF-style: chr16-29825260-C-A.
Other names: c.885C>A, p.Ser295Arg (NM_001256443.2); c.879+6C>A (NM_001256442.2); short protein forms S295R.
Identifiers: ClinVar variation 468621 (VCV000468621.20), dbSNP rs201887920, ClinGen allele CA7994592.